The following is an entry in ClinVar:

NM_139058.3(ARX):c.24G>C (p.Glu8Asp)

Gene: ARX (aristaless related homeobox; minus strand). Cytogenetic location: Xp21.3.
Variant type: single nucleotide variant.
Coding change: c.24G>C on transcript NM_139058.3 (MANE Select); coding-DNA position 24, G replaced by C.
Protein change: p.Glu8Asp; replaces glutamic acid 8 with aspartic acid.
Molecular consequence: missense variant.
Genome position (GRCh38, 1-based): chrX:25,015,714, C>G on the plus strand (G>C on the coding strand, the complement: ARX is on the minus strand). VCF-style: chrX-25015714-C-G. GRCh37 (hg19) VCF-style: chrX-25033831-C-G.
Other names: short protein forms E8D.
Identifiers: ClinVar variation 3343249 (VCV003343249.1).

ClinVar aggregate classification (germline): Uncertain significance (1 of 4 stars; one submission).

Submission:

GeneDx
Classification: Uncertain significance. Last evaluated: 2023-12-20. Review status: criteria provided, single submitter. Criteria: GeneDx Variant Classification Process June 2021. Collection method: clinical testing. Allele origin: germline. Affected: yes.
Comment: Not observed at significant frequency in large population cohorts (gnomAD); In silico analysis supports that this missense variant does not alter protein structure/function; Has not been previously published as pathogenic or benign to our knowledge